The following is an entry in ClinVar:

NM_000492.4(CFTR):c.179A>T (p.Glu60Val)

Genes: CFTR (CF transmembrane conductance regulator; plus strand), LOC113664106 (CFTR intron 2 DNase I hypersensitive site; plus strand). Cytogenetic location: 7q31.2.
Variant type: single nucleotide variant.
Coding change: c.179A>T on transcript NM_000492.4 (MANE Select); coding-DNA position 179, A replaced by T.
Protein change: p.Glu60Val; replaces glutamic acid 60 with valine.
Molecular consequence: missense variant.
Genome position (GRCh38, 1-based): chr7:117,509,048, A>T. VCF-style: chr7-117509048-A-T. GRCh37 (hg19) VCF-style: chr7-117149102-A-T.
Other names: short protein forms E60V.
Identifiers: ClinVar variation 4853576 (VCV004853576.1).

ClinVar aggregate classification (germline): Uncertain significance (1 of 4 stars; one submission).

Submission:

Women's Health and Genetics/Laboratory Corporation of America, LabCorp
Classification: Uncertain significance. Last evaluated: 2026-05-04. Review status: criteria provided, single submitter. Criteria: LabCorp Variant Classification Summary - May 2015. Collection method: clinical testing. Allele origin: germline.
Comment: Variant summary: CFTR c.179A>T (p.Glu60Val) results in a non-conservative amino acid change in the encoded protein sequence. Algorithms developed to predict the effect of missense changes on protein structure and function all suggest that this variant is likely to be disruptive. The variant was absent in 250894 control chromosomes. The available data on variant occurrences in the general population are insufficient to allow any conclusion about variant significance. To our knowledge, no occurrence of c.179A>T in individuals affected with CFTR-related conditions has been reported. At least one publication reports experimental evidence evaluating an impact on protein function; however, it does not allow convincing conclusions about the variant effect (Haque_2023). The following publication has been ascertained in the context of this evaluation (PMID: 36696993). No submitters have cited clinical significance assessments for this variant in ClinVar. Based on the evidence outlined above, the variant was classified as uncertain significance.

Literature cited by the submitters: PubMed 36696993.